The following is an entry in ClinVar:

ClinVar aggregate classification (germline): Pathogenic/Likely pathogenic. Review status: criteria provided, multiple submitters, no conflicts (2 of 4 stars). 25 submissions from 23 submitters: Pathogenic (20); Likely pathogenic (1). 4 of the submissions do not count toward it. Last evaluated 2025-10-23.

Conditions:
TSC2-related disorder. Also called: TSC2-Related Disorders; TSC2-related condition.
Hereditary cancer-predisposing syndrome. Also called: Neoplastic Syndromes, Hereditary; Tumor predisposition; Hereditary Cancer Syndrome; Hereditary neoplastic syndrome. Identifiers: Orphanet 140162, MedGen C0027672, MeSH D009386, MONDO:0015356.
Tuberous sclerosis syndrome (TSC). Also called: Tuberous sclerosis; Tuberous Sclerosis Complex. Identifiers: Orphanet 805, MedGen C0041341, MONDO:0001734.
Lymphangiomyomatosis (LAM). Also called: Lymphangioleiomyomatosis, somatic; Lymphangioleiomyomatosis. Identifiers: Orphanet 538, MedGen C0751674, MONDO:0011705, OMIM 606690.
Tuberous sclerosis 2 (TSC2). Identifiers: Orphanet 805, MedGen C1860707, MONDO:0013199, OMIM 613254.

Submissions 1 to 10 of 25:

Myriad Genetics, Inc.
Classification: Pathogenic for Tuberous sclerosis 2. Last evaluated: 2025-10-23. Review status: criteria provided, single submitter. Criteria: Myriad Autosomal Dominant, Autosomal Recessive and X-Linked Classification Criteria (2023). Collection method: clinical testing. Allele origin: unknown.
Comment: This variant is considered pathogenic. This variant has been reported in multiple individuals with clinical features of gene-specific disease [PMID: 39110368, 29476190, 23389244, 32313033, 32555378]. Functional studies indicate this variant impacts protein function [PMID: 27406250, 21309039]. This variant is expected to disrupt protein structure [Myriad internal data].

Genesolutions, Medical Genetics Institutes, Ho Chi Minh City, Vietnam
Classification: Pathogenic for Tuberous sclerosis 2. Last evaluated: 2025-09-24. Review status: criteria provided, single submitter. Criteria: ACMG Guidelines, 2015. Collection method: clinical testing. Allele origin: germline. Affected: yes.

Labcorp Genetics (formerly Invitae), Labcorp
Classification: Pathogenic for Tuberous sclerosis 2. Last evaluated: 2025-09-23. Review status: criteria provided, single submitter. Criteria: Invitae Variant Classification Sherloc (09022015). Collection method: clinical testing. Allele origin: germline.
Comment: This variant, c.5238_5255del, results in the deletion of 6 amino acid(s) of the TSC2 protein (p.His1746_Arg1751del), but otherwise preserves the integrity of the reading frame. This variant is not present in population databases (gnomAD no frequency). This variant has been observed in individual(s) with tuberous sclerosis (PMID: 9829910, 10205261, 11112665, 15024740, 15874888, 16114042, 21520333). In at least one individual the variant was observed to be de novo. Invitae Evidence Modeling of clinical and family history, age, sex, and reported ancestry of multiple individuals with this TSC2 variant has been performed. This variant is expected to be pathogenic with a positive predictive value of at least 99%. This is a validated machine learning model that incorporates the clinical features of 1,224,362 individuals referred to our laboratory for TSC2 testing. ClinVar contains an entry for this variant (Variation ID: 12402). Algorithms developed to predict the effect of variants on gene product structure and function are not available or were not evaluated for this variant. Experimental studies have shown that this variant affects TSC2 function (PMID: 21309039). For these reasons, this variant has been classified as Pathogenic.

PreventionGenetics, part of Exact Sciences
Classification: Pathogenic for TSC2-related condition. Last evaluated: 2025-05-29. Review status: criteria provided, single submitter. Criteria: ACMG Guidelines, 2015. Collection method: clinical testing. Allele origin: germline.
Comment: The TSC2 c.5238_5255del18 variant is predicted to result in an in-frame deletion (p.His1746_Arg1751del). This variant has been reported as a recurrent de novo change in individuals with Tuberous Sclerosis Complex (TSC) and prenatal cardiac rhabdomyoma (Supplemental Table A4, Giugliano et al. 2019. PubMed ID: 31370276; Li et al. 2020. PubMed ID: 32410215; Reyna-Fabián et al. 2020. PubMed ID: 32313033; Table S3, Fu et al. 2022. PubMed ID: 36307859). In vitro experimental studies suggest this variant impacts protein function (Referred to as 1723del6, Figure 4C, Table S3, Hoogeveen-Westerveld et al. 2011. PubMed ID: 21309039; Figure 3E, Overwater et al. 2016. PubMed ID: 27406250; Winden et al. 2019. PubMed ID: 31591157). This variant has not been reported in a large population database, indicating this variant is rare. It is interpreted as pathogenic in ClinVar. This variant is interpreted as pathogenic.

Ambry Genetics
Classification: Pathogenic for Hereditary cancer-predisposing syndrome. Last evaluated: 2025-04-24. Review status: criteria provided, single submitter. Criteria: Ambry Variant Classification Scheme 2023. Collection method: clinical testing. Allele origin: germline.
Comment: The c.5238_5255del18 pathogenic mutation (also known as p.H1746_R1751del) is located in coding exon 40 of the TSC2 gene. This pathogenic mutation results from an in-frame CATCAAGCGGCTCCGCCA deletion at nucleotide positions 5238 to 5255. This results in the in-frame deletion of six amino acids from codon 1746 to 1751. This variant was reported in individual(s) with features consistent with Tuberous sclerosis complex (Beauchamp RL et al. Hum. Mutat., 1998;12:408-16; Jones AC et al. Am. J. Hum. Genet., 1999 May;64:1305-15; Dabora SL et al. Am. J. Hum. Genet., 2001 Jan;68:64-80; Au KS et al. Genet. Med., 2007 Feb;9:88-100). Additionally, in vitro analysis showed that the mutant protein (reported as p.1746del6/1723del6) is unstable and increases T389-phosphorylated S6 kinase, thereby preventing the TSC-TSC2-dependent inhibition of the target of rapamycin complex 1 (TORC1) activity (Hoogeveen-Westerveld M et al. Hum. Mutat., 2011 Apr;32:424-35). Of note, this variant is also known as 5256del18bp and 1746delHIKRLR in published literature. This variant is considered to be rare based on population cohorts in the Genome Aggregation Database (gnomAD). This amino acid region is well conserved in available vertebrate species. In addition, this alteration is predicted to be deleterious by in silico analysis (Choi Y et al. PLoS ONE. 2012; 7(10):e46688). Based on the supporting evidence, this alteration is interpreted as a disease-causing mutation.

Blueprint Genetics
Classification: Pathogenic for TSC2-related disorders. Last evaluated: 2024-09-16. Review status: criteria provided, single submitter. Criteria: ACMG Guidelines, 2015. Collection method: clinical testing. Allele origin: germline. Affected: yes. Observed: 2 variant alleles.

Division of Genetic & Genomic Pathology, Hong Kong Children's Hospital
Classification: Pathogenic for Tuberous sclerosis 2. Last evaluated: 2024-08-22. Review status: criteria provided, single submitter. Criteria: ACMG Guidelines, 2015. Collection method: clinical testing. Allele origin: germline. Affected: yes.
Comment: TSC2 c.5238_5255del is an in-frame deletion variant located in exon 41 (out of 42 exons), which results in deletion of 6 amino acids in the carboxy-terminus of tuberin. This variant is present at an extremely low frequency in population control databases (gnomAD v4.1.0: 1 out of 1,612,912 alleles). It has been observed in multiple unrelated individuals with tuberous sclerosis (PMID: 9829910, 10205261, 11112665, 15874888, ClinVar: VCV000012402.52). In at least 4 individuals, the variant was observed to be de novo (PMID: 10205261, 11112665). Experimental studies have shown that this variant affects TSC2 function in vitro (PMID: 21309039). For these reasons, this variant is classified as pathogenic.

Cambridge Genomics Laboratory, East Genomic Laboratory Hub, NHS Genomic Medicine Service
Classification: Pathogenic for Tuberous sclerosis. Last evaluated: 2024-05-30. Review status: criteria provided, single submitter. Criteria: ACGS Best Practice Guidelines for Variant Classification in Rare Disease 2020. Collection method: clinical testing. Allele origin: germline. Affected: yes.
Comment: PS2_Very Strong,PS3_Supporting,PM2,PM4

Athena Diagnostics
Classification: Pathogenic. Last evaluated: 2023-08-14. Review status: criteria provided, single submitter. Criteria: Athena Diagnostics Criteria. Collection method: clinical testing. Allele origin: unknown.
Comment: This variant appears to occur de novo in multiple individuals with clinical features associated with this gene. This variant has not been reported in large, multi-ethnic general populations. Assessment of experimental evidence suggests this variant results in abnormal protein function. The variant decreases TSC2 expression and activity in vitro (PMID 21309039). The variant is located in a region that is considered important for protein function and/or structure.

Division of Human Genetics, National Health Laboratory Service/University of the Witwatersrand
Classification: Pathogenic for Tuberous sclerosis 2. Last evaluated: 2023-07-01. Review status: criteria provided, single submitter. Criteria: ACMG Guidelines, 2015. Collection method: research. Allele origin: germline. Affected: yes.

NM_000548.5(TSC2):c.5238_5255del (p.His1746_Arg1751del)

Gene: TSC2 (TSC complex subunit 2; plus strand). Cytogenetic location: 16p13.3.
Variant type: Deletion.
Coding change: c.5238_5255del on transcript NM_000548.5 (MANE Select); coding-DNA positions 5238 to 5255, 18 bases deleted (CATCAAGCGGCTCCGCCA).
Protein change: p.His1746_Arg1751del.
Molecular consequence: inframe deletion.
Genome position (GRCh38, 1-based): chr16:2,088,304-2,088,321, CATCAAGCGGCTCCGCCA deleted; deleting any 18 consecutive bases within chr16:2,088,293-2,088,321 gives the same sequence; the c. name uses the placement nearest the transcript's 3' end. VCF-style (leftmost placement, unchanged base first): chr16-2088292-CCGGCTCCGCCACATCAAG-C. GRCh37 (hg19) VCF-style: chr16-2138293-CCGGCTCCGCCACATCAAG-C.
Other names: c.5238_5255delCATCAAGCGGCTCCGCCA (NM_000548.3, NM_000548.4); c.5037_5054del, p.His1679_Arg1684del (NM_001077183.3); c.5169_5186del, p.His1723_Arg1728del (NM_001114382.3); c.4929_4946del, p.His1643_Arg1648del (NM_001318827.2); c.4893_4910del, p.His1631_Arg1636del (NM_001318829.2); c.4506_4523del, p.His1502_Arg1507del (NM_001318831.2); c.5070_5087del, p.His1690_Arg1695del (NM_001318832.2); c.5040_5057del, p.His1680_Arg1685del (NM_001363528.2); and 4 more.
Identifiers: ClinVar variation 12402 (VCV000012402.75), dbSNP rs137854218, ClinGen allele CA022197.
Genomic context (GRCh38, chr16:2,088,292, plus strand): 5'-CTCACAGGTGCATCATAGCCGCTCCAACCCCACCGATATCTACCCCTCCAAGTGGATTGC[CCGGCTCCGCCACATCAAG>C]CGGCTCCGCCAGCGGGTAGGGAATATGGGGCTCCCTCAGCGGGGTGTGCTGGCTGCCCAA-3'